The following is an entry in ClinVar:

ClinVar aggregate classification (germline): Uncertain significance. Review status: criteria provided, multiple submitters, no conflicts (2 of 4 stars). 2 submissions from 2 submitters: Uncertain significance (2). Last evaluated 2025-07-07.

Conditions:
Malignant hyperthermia, susceptibility to, 1 (MHS1). Also called: Malignant hyperthermia suceptibility 1; Anesthesia related hyperthermia; Malignant hyperpyrexia; Fulminating hyperpyrexia; Pharmacogenic myopathy; RYR1-Related Malignant Hyperthermia Susceptibility. Identifiers: Orphanet 423, MedGen C2930980, MONDO:0007783, OMIM 145600.

gnomAD v4.1: 15 of 1,567,530 alleles (0.00096%); highest among the groups gnomAD compares: East Asian, 0.026%; no homozygotes.

Submissions (2):

Color Diagnostics, LLC DBA Color Health
Classification: Uncertain significance for Malignant hyperthermia, susceptibility to, 1. Last evaluated: 2025-07-07. Review status: criteria provided, single submitter. Criteria: ACMG Guidelines, 2015. Collection method: clinical testing. Allele origin: germline.
Comment: This missense variant replaces arginine with histidine at codon 1336 of the RYR1 protein. Computational prediction suggests that this variant may not impact protein structure and function. To our knowledge, functional studies have not been reported for this variant. This variant has not been reported in individuals affected with RYR1-related disorders in the literature. This variant has been identified in 5/167412 chromosomes in the general population by the Genome Aggregation Database (gnomAD). The available evidence is insufficient to determine the role of this variant in disease conclusively. Therefore, this variant is classified as a Variant of Uncertain Significance.

GeneDx
Classification: Uncertain significance. Last evaluated: 2025-04-04. Review status: criteria provided, single submitter. Criteria: GeneDx Variant Classification Process June 2021. Collection method: clinical testing. Allele origin: germline. Affected: yes.
Comment: In silico analysis supports that this missense variant has a deleterious effect on protein structure/function; Has not been previously published as pathogenic or benign to our knowledge

NM_000540.3(RYR1):c.4007G>A (p.Arg1336His)

Gene: RYR1 (ryanodine receptor 1; plus strand). Cytogenetic location: 19q13.2.
Variant type: single nucleotide variant.
Coding change: c.4007G>A on transcript NM_000540.3 (MANE Select); coding-DNA position 4007, G replaced by A.
Protein change: p.Arg1336His; replaces arginine 1336 with histidine.
Molecular consequence: missense variant.
Genome position (GRCh38, 1-based): chr19:38,473,618, G>A. VCF-style: chr19-38473618-G-A. GRCh37 (hg19) VCF-style: chr19-38964258-G-A.
Other names: c.4007G>A, p.Arg1336His (NM_001042723.2); short protein forms R1336H.
Identifiers: ClinVar variation 4278862 (VCV004278862.2).